The following is an entry in ClinVar:

ClinVar aggregate classification (germline): Uncertain significance (1 of 4 stars; one submission).

Allele frequency attached by ClinVar (database versions not stated): gnomAD exomes below 0.00001.
gnomAD v4.1: 2 of 1,612,362 alleles (0.00012%); highest among the groups gnomAD compares: Non-Finnish European, 0.00017%; no homozygotes.

Submission:

GeneDx
Classification: Uncertain significance. Last evaluated: 2024-05-21. Review status: criteria provided, single submitter. Criteria: GeneDx Variant Classification Process June 2021. Collection method: clinical testing. Allele origin: germline. Affected: yes.
Comment: Has not been previously published as pathogenic or benign to our knowledge; In silico analysis suggests this variant may impact gene splicing. In the absence of RNA/functional studies, the actual effect of this sequence change is unknown.; Variants in candidate genes are classified as variants of uncertain significance in accordance with ACMG guidelines (PMID: 25741868)

NM_006393.3(NEBL):c.1377G>T (p.Gly459=)

Gene: NEBL (nebulette; minus strand). Cytogenetic location: 10p12.31.
Variant type: single nucleotide variant.
Coding change: c.1377G>T on transcript NM_006393.3 (MANE Select); coding-DNA position 1377, G replaced by T.
Protein change: p.Gly459=; no amino-acid change (glycine 459 retained).
Molecular consequence: synonymous variant. On other transcripts: intron variant (9).
Genome position (GRCh38, 1-based): chr10:20,835,585, C>A on the plus strand (G>T on the coding strand, the complement: NEBL is on the minus strand). VCF-style: chr10-20835585-C-A. GRCh37 (hg19) VCF-style: chr10-21124514-C-A.
Other names: c.250-22645G>T (NM_001377326.1, NM_001377327.1, NM_001377328.1); c.358-22645G>T (NM_213569.2, NM_001173484.2, NM_001377322.1); c.301-22645G>T (NM_001377324.1); c.292-22645G>T (NM_001377325.1); c.310-22645G>T (NM_001377323.1).
Identifiers: ClinVar variation 489000 (VCV000489000.3), dbSNP rs1310607610, ClinGen allele CA468446691.